The following is an entry in ClinVar:

NM_005751.5(AKAP9):c.6148G>T (p.Asp2050Tyr)

Gene: AKAP9 (A-kinase anchoring protein 9; plus strand). Cytogenetic location: 7q21.2.
Variant type: single nucleotide variant.
Coding change: c.6148G>T on transcript NM_005751.5 (MANE Select); coding-DNA position 6148, G replaced by T.
Protein change: p.Asp2050Tyr; replaces aspartic acid 2050 with tyrosine.
Molecular consequence: missense variant.
Genome position (GRCh38, 1-based): chr7:92,065,401, G>T. VCF-style: chr7-92065401-G-T. GRCh37 (hg19) VCF-style: chr7-91694715-G-T.
Other names: c.793G>T, p.Asp265Tyr (NM_001379277.1); c.6148G>T, p.Asp2050Tyr (NM_147185.3); short protein forms D2050Y, D265Y.
Identifiers: ClinVar variation 1709631 (VCV001709631.2), dbSNP rs1039863676, ClinGen allele CA368132730.

ClinVar aggregate classification (germline): Uncertain significance (1 of 4 stars; one submission).

Conditions:
Long QT syndrome 11 (LQT11). Identifiers: Orphanet 101016, Orphanet 768, MedGen C2678483, MONDO:0012738, OMIM 611820.

Submission:

MGZ Medical Genetics Center
Classification: Uncertain significance for Long QT syndrome 11. Last evaluated: 2021-10-18. Review status: criteria provided, single submitter. Criteria: ACMG Guidelines, 2015. Collection method: clinical testing. Allele origin: germline. Affected: yes. Observed: 1 variant allele.
Comment: ACMG criteria applied: PM2_SUP